The following is an entry in ClinVar:

NM_002693.3(POLG):c.2829T>C (p.Arg943=)

Gene: POLG (DNA polymerase gamma, catalytic subunit; minus strand). Cytogenetic location: 15q26.1.
Variant type: single nucleotide variant.
Coding change: c.2829T>C on transcript NM_002693.3 (MANE Select); coding-DNA position 2829, T replaced by C.
Protein change: p.Arg943=; no amino-acid change (arginine 943 retained).
Molecular consequence: synonymous variant.
Genome position (GRCh38, 1-based): chr15:89,320,918, A>G on the plus strand (T>C on the coding strand, the complement: POLG is on the minus strand). VCF-style: chr15-89320918-A-G. GRCh37 (hg19) VCF-style: chr15-89864149-A-G.
Other names: c.2829T>C, p.Arg943= (NM_001126131.2).
Identifiers: ClinVar variation 1095603 (VCV001095603.37), dbSNP rs774005462, ClinGen allele CA7724341.
Genomic context (GRCh38, chr15:89,320,918, plus strand): 5'-CTCAGCAAAGGGCTGCCCAGCACCATAGATGCGGCCGTAGTTGAAGATTTTGGCATGCTC[A>G]CGGCTGATGCCCACAGTAGTGGCTGTCTTACTGTGTAGATCAGTGCCCCTGCTCTTCCTG-3'
Protein context (NP_002684.1, residues 933-953): SKTATTVGIS[Arg943=]EHAKIFNYGR

ClinVar aggregate classification (germline): Likely benign. Review status: criteria provided, multiple submitters, no conflicts (2 of 4 stars). 4 submissions from 4 submitters: Likely benign (4). Last evaluated 2025-12-26.

Conditions:
Progressive sclerosing poliodystrophy (MTDPS4A). Also called: Alpers-Huttenlocher Syndrome; Mitochondrial DNA Depletion Syndrome 4A; Alpers-Huttenlocher Syndrome (AHS); ALPERS PROGRESSIVE INFANTILE POLIODYSTROPHY; Alpers Syndrome; ALPERS DIFFUSE DEGENERATION OF CEREBRAL GRAY MATTER WITH HEPATIC CIRRHOSIS. Identifiers: Orphanet 726, MedGen C0205710, MONDO:0008758, OMIM 203700.

Allele frequency attached by ClinVar (database versions not stated): ExAC 0.00002; gnomAD exomes 0.00002 and 0.00003.
gnomAD v4.1: 39 of 1,614,022 alleles (0.0024%); highest among the groups gnomAD compares: Non-Finnish European, 0.0031%; no homozygotes.

Submissions (4):

Labcorp Genetics (formerly Invitae), Labcorp
Classification: Likely benign for Progressive sclerosing poliodystrophy. Last evaluated: 2025-12-26. Review status: criteria provided, single submitter. Criteria: Invitae Variant Classification Sherloc (09022015). Collection method: clinical testing. Allele origin: germline.

Blueprint Genetics
Classification: Likely benign. Last evaluated: 2024-09-11. Review status: criteria provided, single submitter. Criteria: ACMG Guidelines, 2015. Collection method: clinical testing. Allele origin: germline.

CeGaT Center for Human Genetics Tuebingen
Classification: Likely benign. Last evaluated: 2023-08-01. Review status: criteria provided, single submitter. Criteria: CeGaT Center For Human Genetics Tuebingen Variant Classification Criteria Version 2. Collection method: clinical testing. Allele origin: germline. Affected: yes. Observed: 1 variant allele.
Comment: POLG: BP4, BP7

GeneDx
Classification: Likely benign. Last evaluated: 2020-03-25. Review status: criteria provided, single submitter. Criteria: GeneDx Variant Classification Process June 2021. Collection method: clinical testing. Allele origin: germline. Affected: yes.